The following is an entry in ClinVar:

ClinVar aggregate classification (germline): Uncertain significance (1 of 4 stars; one submission).

Conditions:
Cardiovascular phenotype. Identifiers: MedGen CN230736.

Allele frequency attached by ClinVar (database versions not stated): gnomAD exomes below 0.00001.
gnomAD v4.1: 1 of 1,548,436 alleles (0.000065%); highest among the groups gnomAD compares: South Asian, 0.0012%; no homozygotes.

Submission:

Ambry Genetics
Classification: Uncertain significance for Cardiovascular phenotype. Last evaluated: 2022-07-11. Review status: criteria provided, single submitter. Criteria: Ambry Variant Classification Scheme 2023. Collection method: clinical testing. Allele origin: germline.
Comment: The p.P309S variant (also known as c.925C>T), located in coding exon 1 of the ZNF469 gene, results from a C to T substitution at nucleotide position 925. The proline at codon 309 is replaced by serine, an amino acid with similar properties. This amino acid position is conserved. In addition, this alteration is predicted to be tolerated by in silico analysis. Since supporting evidence is limited at this time, the clinical significance of this alteration remains unclear.

NM_001367624.2(ZNF469):c.925C>T (p.Pro309Ser)

Gene: ZNF469 (zinc finger protein 469; plus strand). Cytogenetic location: 16q24.2.
Variant type: single nucleotide variant.
Coding change: c.925C>T on transcript NM_001367624.2 (MANE Select); coding-DNA position 925, C replaced by T.
Protein change: p.Pro309Ser; replaces proline 309 with serine.
Molecular consequence: missense variant.
Genome position (GRCh38, 1-based): chr16:88,428,395, C>T. VCF-style: chr16-88428395-C-T. GRCh37 (hg19) VCF-style: chr16-88494803-C-T.
Other names: NM_001127464.1:c.925C>T; short protein forms P309S.
Identifiers: ClinVar variation 1766362 (VCV001766362.2), dbSNP rs1396030008, ClinGen allele CA397062251.
Genomic context (GRCh38, chr16:88,428,395, plus strand): 5'-CCTGCGGATGTGGCTGGGCACGCATTCACCAATGGGCCACTGGTGTTTGCCTTCCATCAG[C>T]CCCAGGGAGCGTGGCCGGAGGAGGCCGTGGGCACGGGCCCTGCCTACCCGCTGCCCACCC-3'
Protein context (NP_001354553.1, residues 299-319): NGPLVFAFHQ[Pro309Ser]QGAWPEEAVG